The following is an entry in ClinVar:

NM_001042492.3(NF1):c.1261-5T>C

Gene: NF1 (neurofibromin 1; plus strand). Cytogenetic location: 17q11.2.
Variant type: single nucleotide variant.
Coding change: c.1261-5T>C on transcript NM_001042492.3 (MANE Select); 5 bases into the intron before coding-DNA position 1261, T replaced by C.
Molecular consequence: intron variant.
Genome position (GRCh38, 1-based): chr17:31,206,235, T>C. VCF-style: chr17-31206235-T-C. GRCh37 (hg19) VCF-style: chr17-29533253-T-C.
Other names: c.1261-5T>C (NM_000267.4, NM_001128147.3).
Identifiers: ClinVar variation 760375 (VCV000760375.8), dbSNP rs1597688687, ClinGen allele CA915949687.

ClinVar aggregate classification (germline): Conflicting classifications of pathogenicity. Review status: criteria provided, conflicting classifications (1 of 4 stars). 2 submissions from 2 submitters: Uncertain significance (1); Likely benign (1). Last evaluated 2025-06-20.

Conditions:
Cardiovascular phenotype. Identifiers: MedGen CN230736.
Hereditary cancer-predisposing syndrome. Also called: Tumor predisposition; Hereditary Cancer Syndrome; Neoplastic Syndromes, Hereditary; Hereditary neoplastic syndrome. Identifiers: Orphanet 140162, MedGen C0027672, MeSH D009386, MONDO:0015356.
Neurofibromatosis, type 1 (NF1). Also called: VON RECKLINGHAUSEN DISEASE; Neurofibromatosis, type I; NEUROFIBROMATOSIS, TYPE I, SOMATIC; Peripheral type neurofibromatosis. Identifiers: Orphanet 636, MedGen C0027831, MONDO:0018975, OMIM 162200. Disease mechanism: loss of function.

gnomAD v4.1: 1 of 1,613,664 alleles (0.000062%); no homozygotes.

Submissions (2):

Labcorp Genetics (formerly Invitae), Labcorp
Classification: Likely benign for Neurofibromatosis, type 1. Last evaluated: 2025-06-20. Review status: criteria provided, single submitter. Criteria: Invitae Variant Classification Sherloc (09022015). Collection method: clinical testing. Allele origin: germline.

Ambry Genetics
Classification: Uncertain significance for Cardiovascular phenotype; Hereditary cancer-predisposing syndrome. Last evaluated: 2025-02-18. Review status: criteria provided, single submitter. Criteria: Ambry Variant Classification Scheme 2023. Collection method: clinical testing. Allele origin: germline.
Comment: The c.1261-5T>C intronic variant results from a T to C substitution 5 nucleotides upstream from coding exon 12 in the NF1 gene. This nucleotide position is well conserved in available vertebrate species. In silico splice site analysis predicts that this alteration will not have any significant effect on splicing. Based on the available evidence, the clinical significance of this variant remains unclear.